The following is an entry in ClinVar:

ClinVar aggregate classification (germline): Uncertain significance. Review status: criteria provided, multiple submitters, no conflicts (2 of 4 stars). 2 submissions from 2 submitters: Uncertain significance (2). Last evaluated 2022-12-19.

Conditions:
3-hydroxyisobutyryl-CoA hydrolase deficiency. Also called: VALINE METABOLIC DEFECT; HIBCH DEFICIENCY; METHACRYLIC ACID TOXICITY; METHACRYLIC ACIDURIA; Reduced circulating 3-hydroxyisobutyryl-CoA hydrolase activity; Deficiency of 3-hydroxyisobutyryl CoA hydrolase. Identifiers: Orphanet 88639, MedGen C0342738, MONDO:0009603, OMIM 250620, HP:6000215.
Inborn genetic diseases. Identifiers: MedGen C0950123, MeSH D030342.

Allele frequency attached by ClinVar (database versions not stated): TOPMed 0.00002; gnomAD 0.00003; ExAC 0.00005.
gnomAD v4.1: 16 of 1,609,172 alleles (0.00099%); highest among the groups gnomAD compares: East Asian, 0.036%; no homozygotes.

Submissions (2):

Ambry Genetics
Classification: Uncertain significance for Inborn genetic diseases. Last evaluated: 2022-12-19. Review status: criteria provided, single submitter. Criteria: Ambry Variant Classification Scheme 2023. Collection method: clinical testing. Allele origin: germline.

Labcorp Genetics (formerly Invitae), Labcorp
Classification: Uncertain significance for 3-hydroxyisobutyryl-CoA hydrolase deficiency. Last evaluated: 2022-03-19. Review status: criteria provided, single submitter. Criteria: Invitae Variant Classification Sherloc (09022015). Collection method: clinical testing. Allele origin: germline.
Comment: This sequence change replaces alanine, which is neutral and non-polar, with valine, which is neutral and non-polar, at codon 231 of the HIBCH protein (p.Ala231Val). In summary, the available evidence is currently insufficient to determine the role of this variant in disease. Therefore, it has been classified as a Variant of Uncertain Significance. Algorithms developed to predict the effect of missense changes on protein structure and function (SIFT, PolyPhen-2, Align-GVGD) all suggest that this variant is likely to be tolerated. This variant has not been reported in the literature in individuals affected with HIBCH-related conditions. This variant is present in population databases (rs756964939, gnomAD 0.08%).

NM_014362.4(HIBCH):c.692C>T (p.Ala231Val)

Gene: HIBCH (3-hydroxyisobutyryl-CoA hydrolase; minus strand). Cytogenetic location: 2q32.2.
Variant type: single nucleotide variant.
Coding change: c.692C>T on transcript NM_014362.4 (MANE Select); coding-DNA position 692, C replaced by T.
Protein change: p.Ala231Val; replaces alanine 231 with valine.
Molecular consequence: missense variant.
Genome position (GRCh38, 1-based): chr2:190,249,698, G>A on the plus strand (C>T on the coding strand, the complement: HIBCH is on the minus strand). VCF-style: chr2-190249698-G-A. GRCh37 (hg19) VCF-style: chr2-191114424-G-A.
Other names: c.692C>T, p.Ala231Val (NM_198047.3); short protein forms A231V.
Identifiers: ClinVar variation 1991646 (VCV001991646.5), dbSNP rs756964939, ClinGen allele CA2027533.